The following is an entry in ClinVar:

ClinVar aggregate classification (germline): Uncertain significance (1 of 4 stars; one submission).

gnomAD v4.1: 1 of 1,613,702 alleles (0.000062%); highest among the groups gnomAD compares: Non-Finnish European, 0.000085%; no homozygotes.

Submission:

Women's Health and Genetics/Laboratory Corporation of America, LabCorp
Classification: Uncertain significance. Last evaluated: 2024-09-19. Review status: criteria provided, single submitter. Criteria: LabCorp Variant Classification Summary - May 2015. Collection method: clinical testing. Allele origin: germline.
Comment: Variant summary: CLCN1 c.539A>G (p.His180Arg) results in a non-conservative amino acid change in the encoded protein sequence. Four of five in-silico tools predict a damaging effect of the variant on protein function. The variant was absent in 251468 control chromosomes. The available data on variant occurrences in the general population are insufficient to allow any conclusion about variant significance. To our knowledge, no occurrence of c.539A>G in individuals affected with Congenital Myotonia, Autosomal Recessive Form and no experimental evidence demonstrating its impact on protein function have been reported. No submitters have cited clinical-significance assessments for this variant to ClinVar. Based on the evidence outlined above, the variant was classified as uncertain significance.

NM_000083.3(CLCN1):c.539A>G (p.His180Arg)

Gene: CLCN1 (chloride voltage-gated channel 1; plus strand). Cytogenetic location: 7q34.
Variant type: single nucleotide variant.
Coding change: c.539A>G on transcript NM_000083.3 (MANE Select); coding-DNA position 539, A replaced by G.
Protein change: p.His180Arg; replaces histidine 180 with arginine.
Molecular consequence: missense variant. On other transcripts: non-coding transcript variant (1).
Genome position (GRCh38, 1-based): chr7:143,321,470, A>G. VCF-style: chr7-143321470-A-G. GRCh37 (hg19) VCF-style: chr7-143018563-A-G.
Other names: short protein forms H180R.
Identifiers: ClinVar variation 3375362 (VCV003375362.1).